The following is an entry in ClinVar:

ClinVar aggregate classification (germline): Uncertain significance (1 of 4 stars; one submission).

Conditions:
Polycystic kidney disease, adult type (PKD1). Also called: Polycystic Kidney, Autosomal Dominant; POLYCYSTIC KIDNEY DISEASE 1 WITH OR WITHOUT POLYCYSTIC LIVER DISEASE; Polycystic Kidney Disease 1, Autosomal Dominant; Polycystic kidney disease 1; Polycystic kidney disease 1, severe; POLYCYSTIC KIDNEY DISEASE, ADULT, TYPE I. Identifiers: MedGen C3149841, MONDO:0008263, OMIM 173900.

Submission:

MVZ Medizinische Genetik Mainz
Classification: Uncertain significance for Polycystic kidney disease, adult type. Last evaluated: 2023-08-14. Review status: criteria provided, single submitter. Criteria: UK Practice Guidelines For Variant Classification V4 01 2020. Collection method: clinical testing. Allele origin: germline. Inheritance: Autosomal dominant inheritance. Affected: yes. Observed: 1 variant allele.
Comment: ACMG Criteria: PM2_SUP,PP4

NM_001009944.3(PKD1):c.11150T>G (p.Ile3717Ser)

Genes: PKD1-AS1 (PKD1 antisense RNA 1; plus strand), PKD1 (polycystin 1, transient receptor potential channel interacting; minus strand). Cytogenetic location: 16p13.3.
Variant type: single nucleotide variant.
Coding change: c.11150T>G on transcript NM_001009944.3 (MANE Select); coding-DNA position 11150, T replaced by G.
Protein change: p.Ile3717Ser; replaces isoleucine 3717 with serine.
Molecular consequence: missense variant. On other transcripts: non-coding transcript variant (1).
Genome position (GRCh38, 1-based): chr16:2,092,960, A>C on the plus strand (T>G on the coding strand, the complement: PKD1 is on the minus strand). VCF-style: chr16-2092960-A-C. GRCh37 (hg19) VCF-style: chr16-2142961-A-C.
Other names: c.11147T>G, p.Ile3716Ser (NM_000296.4); short protein forms I3716S, I3717S.
Identifiers: ClinVar variation 3066166 (VCV003066166.1), dbSNP rs2544637950, ClinGen allele CA394336700.
Genomic context (GRCh38, chr16:2,092,960, plus strand): 5'-ACTAAAGGCAAAACTAAAGCCCAGAAGACAGACCAGTGCACCGGATGCCCGTACCGCGTG[A>C]TGGCCAGGAAGGCCCGGCTGTGCAGCTCCTGCTTGATGGCGCTTTGCAGACGGTAGGCGT-3'
Protein context (NP_001009944.3, residues 3707-3727): QELHSRAFLA[Ile3717Ser]TRSEELWPWM